The following is an entry in ClinVar:

NM_022463.5(NXN):c.810C>T (p.Tyr270=)

Gene: NXN (nucleoredoxin; minus strand). Cytogenetic location: 17p13.3.
Variant type: single nucleotide variant.
Coding change: c.810C>T on transcript NM_022463.5 (MANE Select); coding-DNA position 810, C replaced by T.
Protein change: p.Tyr270=; no amino-acid change (tyrosine 270 retained).
Molecular consequence: synonymous variant.
Genome position (GRCh38, 1-based): chr17:819,449, G>A on the plus strand (C>T on the coding strand, the complement: NXN is on the minus strand). VCF-style: chr17-819449-G-A. GRCh37 (hg19) VCF-style: chr17-722689-G-A.
Other names: c.810C>T (NM_022463.4); c.486C>T, p.Tyr162= (NM_001205319.1).
Identifiers: ClinVar variation 1661787 (VCV001661787.34), dbSNP rs72810286, ClinGen allele CA8264086.

ClinVar aggregate classification (germline): Benign/Likely benign. Review status: criteria provided, multiple submitters, no conflicts (2 of 4 stars). 4 submissions from 4 submitters: Benign (2); Likely benign (1). 1 of the submissions does not count toward it. Last evaluated 2025-12-15.

Conditions:
NXN-related disorder. Also called: NXN-related condition.

Allele frequency attached by ClinVar (database versions not stated): 1000 Genomes Project 0.00040; 1000 Genomes Project 30x 0.00047; TOPMed 0.00098; gnomAD 0.00104 and 0.00110; ExAC 0.00110; gnomAD exomes 0.00119 and 0.00147; ESP Exome Variant Server 0.00146.
gnomAD v4.1: 2,284 of 1,613,882 alleles (0.14%); highest among the groups gnomAD compares: Non-Finnish European, 0.16%; 1 homozygote.

Submissions (4):

Labcorp Genetics (formerly Invitae), Labcorp
Classification: Benign. Last evaluated: 2025-12-15. Review status: criteria provided, single submitter. Criteria: Invitae Variant Classification Sherloc (09022015). Collection method: clinical testing. Allele origin: germline.

CeGaT Center for Human Genetics Tuebingen
Classification: Likely benign. Last evaluated: 2023-03-01. Review status: criteria provided, single submitter. Criteria: CeGaT Center For Human Genetics Tuebingen Variant Classification Criteria Version 2. Collection method: clinical testing. Allele origin: germline. Affected: yes. Observed: 1 variant allele.
Comment: NXN: BP4, BP7

Breakthrough Genomics
Classification: Benign. Review status: criteria provided, single submitter. Criteria: ACMG Guidelines, 2015. Collection method: not provided. Allele origin: germline. Inheritance: Autosomal recessive inheritance. Affected: yes.

PreventionGenetics, part of Exact Sciences
Classification: Likely benign for NXN-related condition. Last evaluated: 2019-08-23. Review status: no assertion criteria provided. Collection method: clinical testing. Allele origin: germline. Not counted in ClinVar's aggregate classification.
Comment: This variant is classified as likely benign based on ACMG/AMP sequence variant interpretation guidelines (Richards et al. 2015 PMID: 25741868, with internal and published modifications).